The following is an entry in ClinVar:

NM_000135.4(FANCA):c.766A>G (p.Thr256Ala)

Gene: FANCA (FA complementation group A; minus strand). Cytogenetic location: 16q24.3.
Variant type: single nucleotide variant.
Coding change: c.766A>G on transcript NM_000135.4 (MANE Select); coding-DNA position 766, A replaced by G.
Protein change: p.Thr256Ala; replaces threonine 256 with alanine.
Molecular consequence: missense variant.
Genome position (GRCh38, 1-based): chr16:89,803,285, T>C on the plus strand (A>G on the coding strand, the complement: FANCA is on the minus strand). VCF-style: chr16-89803285-T-C. GRCh37 (hg19) VCF-style: chr16-89869693-T-C.
Other names: c.766A>G, p.Thr256Ala (NM_001018112.3, NM_001286167.3); c.670A>G, p.Thr224Ala (NM_001351830.2); short protein forms T224A, T256A.
Identifiers: ClinVar variation 1362101 (VCV001362101.6), dbSNP rs898767175, ClinGen allele CA286605284.

ClinVar aggregate classification (germline): Uncertain significance. Review status: criteria provided, multiple submitters, no conflicts (2 of 4 stars). 2 submissions from 2 submitters: Uncertain significance (2). Last evaluated 2024-04-16.

Conditions:
Fanconi anemia (FA). Also called: Fanconi's anemia. Identifiers: Orphanet 84, MedGen C0015625, MeSH D005199, MONDO:0019391.
Fanconi anemia complementation group A (FANCA). Also called: Fanconi anemia, group A; FANCA-Related Fanconi Anemia. Identifiers: Orphanet 84, MedGen C3469521, MONDO:0009215, OMIM 227650.

Allele frequency attached by ClinVar (database versions not stated): TOPMed below 0.00001.

Submissions (2):

Fulgent Genetics
Classification: Uncertain significance for Fanconi anemia complementation group A. Last evaluated: 2024-04-16. Review status: criteria provided, single submitter. Criteria: ACMG Guidelines, 2015. Collection method: clinical testing. Allele origin: germline.

Labcorp Genetics (formerly Invitae), Labcorp
Classification: Uncertain significance for Fanconi anemia. Last evaluated: 2021-09-17. Review status: criteria provided, single submitter. Criteria: Invitae Variant Classification Sherloc (09022015). Collection method: clinical testing. Allele origin: germline.
Comment: This sequence change replaces threonine with alanine at codon 256 of the FANCA protein (p.Thr256Ala). The threonine residue is weakly conserved and there is a small physicochemical difference between threonine and alanine. This variant is not present in population databases (ExAC no frequency). This variant has not been reported in the literature in individuals affected with FANCA-related conditions. Advanced modeling of protein sequence and biophysical properties (such as structural, functional, and spatial information, amino acid conservation, physicochemical variation, residue mobility, and thermodynamic stability) performed at Invitae indicates that this missense variant is not expected to disrupt FANCA protein function. In summary, the available evidence is currently insufficient to determine the role of this variant in disease. Therefore, it has been classified as a Variant of Uncertain Significance.